The following is an entry in ClinVar:

ClinVar aggregate classification (germline): Uncertain significance (1 of 4 stars; one submission).

Conditions:
Long QT syndrome (LQTS). Identifiers: MedGen C0023976, MeSH D008133, MONDO:0002442. Disease mechanism: loss of function. Inheritance: Various modes of inheritance.

Submission:

All of Us Research Program, National Institutes of Health
Classification: Uncertain significance for Long QT syndrome. Last evaluated: 2024-03-24. Review status: criteria provided, single submitter. Criteria: ACMG Guidelines, 2015. Collection method: clinical testing. Allele origin: germline. Inheritance: Autosomal dominant inheritance. Observed: 1 variant allele, 1 heterozygote.
Comment: This missense variant replaces lysine with arginine at codon 116 of the KCNH2 protein. Computational prediction is inconclusive regarding the impact of this variant on protein structure and function (internally defined REVEL score threshold 0.5 < inconclusive < 0.7, PMID: 27666373). To our knowledge, functional studies have not been reported for this variant. This variant has not been reported in individuals affected with KCNH2-related disorders in the literature. This variant has not been identified in the general population by the Genome Aggregation Database (gnomAD). The available evidence is insufficient to determine the role of this variant in disease conclusively. Therefore, this variant is classified as a Variant of Uncertain Significance.

This study involves interpretation of variants in research participants for the purpose of population health screening. Participant phenotype was not available at the time of variant classification. Additional details can be found in publication PMID: 35346344, PMCID: PMC8962531

NM_000238.4(KCNH2):c.347A>G (p.Lys116Arg)

Gene: KCNH2 (potassium voltage-gated channel subfamily H member 2; minus strand). Cytogenetic location: 7q36.1.
Variant type: single nucleotide variant.
Coding change: c.347A>G on transcript NM_000238.4 (MANE Select); coding-DNA position 347, A replaced by G.
Protein change: p.Lys116Arg; replaces lysine 116 with arginine.
Molecular consequence: missense variant. On other transcripts: non-coding transcript variant (1).
Genome position (GRCh38, 1-based): chr7:150,959,697, T>C on the plus strand (A>G on the coding strand, the complement: KCNH2 is on the minus strand). VCF-style: chr7-150959697-T-C. GRCh37 (hg19) VCF-style: chr7-150656785-T-C.
Other names: c.59A>G, p.Lys20Arg (NM_001406753.1, NM_001406756.1); c.170A>G, p.Lys57Arg (NM_001406755.1); c.47A>G, p.Lys16Arg (NM_001406757.1); c.347A>G, p.Lys116Arg (NM_172056.3); short protein forms K116R, K16R, K20R, K57R.
Identifiers: ClinVar variation 3386913 (VCV003386913.1).